The following is an entry in ClinVar:

NM_004304.5(ALK):c.3182G>A (p.Arg1061Gln)

Gene: ALK (ALK receptor tyrosine kinase; minus strand). Cytogenetic location: 2p23.2.
Variant type: single nucleotide variant.
Coding change: c.3182G>A on transcript NM_004304.5 (MANE Select); coding-DNA position 3182, G replaced by A.
Protein change: p.Arg1061Gln; replaces arginine 1061 with glutamine.
Molecular consequence: missense variant. On other transcripts: 5 prime UTR variant (1).
Genome position (GRCh38, 1-based): chr2:29,223,519, C>T on the plus strand (G>A on the coding strand, the complement: ALK is on the minus strand). VCF-style: chr2-29223519-C-T. GRCh37 (hg19) VCF-style: chr2-29446385-C-T.
Other names: c.-23G>A (NM_001353765.2); short protein forms R1061Q.
Identifiers: ClinVar variation 133470 (VCV000133470.16), dbSNP rs72852032, ClinGen allele CA156626.

ClinVar aggregate classification (germline): Conflicting classifications of pathogenicity. Review status: criteria provided, conflicting classifications (1 of 4 stars). 6 submissions from 6 submitters: Uncertain significance (3); Likely benign (2). 1 of the submissions does not count toward it. Last evaluated 2026-01-20.

Conditions:
Hereditary cancer-predisposing syndrome. Also called: Tumor predisposition; Hereditary neoplastic syndrome; Neoplastic Syndromes, Hereditary; Hereditary Cancer Syndrome. Identifiers: Orphanet 140162, MedGen C0027672, MeSH D009386, MONDO:0015356.
Neuroblastoma, susceptibility to, 3. Also called: ALK-Related Neuroblastic Tumor Susceptibility. Identifiers: Orphanet 635, MedGen C2751681, MONDO:0013083, OMIM 613014.

Allele frequency attached by ClinVar (database versions not stated): TOPMed 0.00006; gnomAD 0.00007 and 0.00008; gnomAD exomes 0.00006 and 0.00010; ESP Exome Variant Server 0.00008; ExAC 0.00010; 1000 Genomes Project 0.00020; 1000 Genomes Project 30x 0.00031.
gnomAD v4.1: 155 of 1,613,666 alleles (0.0096%); highest among the groups gnomAD compares: South Asian, 0.034%; 1 homozygote.

Submissions (6):

Labcorp Genetics (formerly Invitae), Labcorp
Classification: Uncertain significance for Neuroblastoma, susceptibility to, 3. Last evaluated: 2026-01-20. Review status: criteria provided, single submitter. Criteria: Invitae Variant Classification Sherloc (09022015). Collection method: clinical testing. Allele origin: germline.
Comment: This sequence change replaces arginine, which is basic and polar, with glutamine, which is neutral and polar, at codon 1061 of the ALK protein (p.Arg1061Gln). This variant is present in population databases (rs72852032, gnomAD 0.03%), and has an allele count higher than expected for a pathogenic variant. This variant has not been reported in the literature in individuals affected with ALK-related conditions. ClinVar contains an entry for this variant (Variation ID: 133470). An algorithm developed to predict the effect of missense changes on protein structure and function (PolyPhen-2) suggests that this variant is likely to be tolerated. In summary, the available evidence is currently insufficient to determine the role of this variant in disease. Therefore, it has been classified as a Variant of Uncertain Significance.

GeneDx
Classification: Uncertain significance. Last evaluated: 2025-06-30. Review status: criteria provided, single submitter. Criteria: GeneDx Variant Classification Process June 2021. Collection method: clinical testing. Allele origin: germline. Affected: yes.
Comment: Has not been previously published as pathogenic or benign to our knowledge; In silico analysis supports that this missense variant has a deleterious effect on protein structure/function; In silico analysis supports a deleterious effect on splicing; This variant is associated with the following publications: (PMID: 24728327)

Ambry Genetics
Classification: Likely benign for Hereditary cancer-predisposing syndrome. Last evaluated: 2024-08-20. Review status: criteria provided, single submitter. Criteria: Ambry Variant Classification Scheme 2023. Collection method: clinical testing. Allele origin: germline.

Baylor Genetics
Classification: Uncertain significance for Neuroblastoma, susceptibility to, 3. Last evaluated: 2024-03-29. Review status: criteria provided, single submitter. Criteria: ACMG Guidelines, 2015. Collection method: clinical testing. Allele origin: unknown.

Sema4
Classification: Likely benign for Hereditary cancer-predisposing syndrome. Last evaluated: 2021-01-23. Review status: criteria provided, single submitter. Criteria: Sema4 Curation Guidelines. Collection method: curation. Allele origin: germline.

ITMI
No classification provided. Condition: AllHighlyPenetrant. Last evaluated: 2013-09-19. Review status: no classification provided. Collection method: reference population. Allele origin: germline. Not counted in ClinVar's aggregate classification.
Comment: Please see associated publication for description of ethnicities

Literature cited by the submitters: PubMed 24728327 (cited by ITMI).